The following is an entry in ClinVar:

ClinVar aggregate classification (germline): Uncertain significance (1 of 4 stars; one submission).

gnomAD v4.1: 1 of 1,614,082 alleles (0.000062%); highest among the groups gnomAD compares: Non-Finnish European, 0.000085%; no homozygotes.

Submission:

GeneDx
Classification: Uncertain significance. Last evaluated: 2020-01-08. Review status: criteria provided, single submitter. Criteria: GeneDx Variant Classification Process June 2021. Collection method: clinical testing. Allele origin: germline. Affected: yes.
Comment: Not observed in large population cohorts (Lek et al., 2016); In silico analysis, which includes protein predictors and evolutionary conservation, supports that this variant does not alter protein structure/function; Has not been previously published as pathogenic or benign to our knowledge

NM_002693.3(POLG):c.2101G>C (p.Ala701Pro)

Genes: POLG (DNA polymerase gamma, catalytic subunit; minus strand), POLGARF (POLG alternative reading frame; minus strand). Cytogenetic location: 15q26.1.
Variant type: single nucleotide variant.
Coding change: c.2101G>C on transcript NM_002693.3 (MANE Select); coding-DNA position 2101, G replaced by C.
Protein change: p.Ala701Pro; replaces alanine 701 with proline.
Molecular consequence: missense variant.
Genome position (GRCh38, 1-based): chr15:89,323,871, C>G on the plus strand (G>C on the coding strand, the complement: POLG is on the minus strand). VCF-style: chr15-89323871-C-G. GRCh37 (hg19) VCF-style: chr15-89867102-C-G.
Other names: c.2101G>C, p.Ala701Pro (NM_001126131.2); short protein forms A701P.
Identifiers: ClinVar variation 1310862 (VCV001310862.2), dbSNP rs747214857, ClinGen allele CA393757219.